The following is an entry in ClinVar:

NM_001457.4(FLNB):c.1069G>A (p.Val357Ile)

Gene: FLNB (filamin B; plus strand). Cytogenetic location: 3p14.3.
Variant type: single nucleotide variant.
Coding change: c.1069G>A on transcript NM_001457.4 (MANE Select); coding-DNA position 1069, G replaced by A.
Protein change: p.Val357Ile; replaces valine 357 with isoleucine.
Molecular consequence: missense variant.
Genome position (GRCh38, 1-based): chr3:58,097,899, G>A. VCF-style: chr3-58097899-G-A. GRCh37 (hg19) VCF-style: chr3-58083626-G-A.
Other names: c.1069G>A, p.Val357Ile (NM_001164317.2, NM_001164318.2, NM_001164319.2); short protein forms V357I.
Identifiers: ClinVar variation 2070542 (VCV002070542.5), dbSNP rs2097241881, ClinGen allele CA353335745.

ClinVar aggregate classification (germline): Uncertain significance. Review status: criteria provided, multiple submitters, no conflicts (2 of 4 stars). 2 submissions from 2 submitters: Uncertain significance (2). Last evaluated 2022-01-02.

Conditions:
Inborn genetic diseases. Identifiers: MedGen C0950123, MeSH D030342.

Allele frequency attached by ClinVar (database versions not stated): TOPMed below 0.00001; gnomAD 0.00001.

Submissions (2):

Labcorp Genetics (formerly Invitae), Labcorp
Classification: Uncertain significance. Last evaluated: 2022-01-02. Review status: criteria provided, single submitter. Criteria: Invitae Variant Classification Sherloc (09022015). Collection method: clinical testing. Allele origin: germline.
Comment: This variant is not present in population databases (gnomAD no frequency). This sequence change replaces valine, which is neutral and non-polar, with isoleucine, which is neutral and non-polar, at codon 357 of the FLNB protein (p.Val357Ile). This variant has not been reported in the literature in individuals affected with FLNB-related conditions. In summary, the available evidence is currently insufficient to determine the role of this variant in disease. Therefore, it has been classified as a Variant of Uncertain Significance. Advanced modeling of protein sequence and biophysical properties (such as structural, functional, and spatial information, amino acid conservation, physicochemical variation, residue mobility, and thermodynamic stability) performed at Invitae indicates that this missense variant is not expected to disrupt FLNB protein function.

Ambry Genetics
Classification: Uncertain significance for Inborn genetic diseases. Last evaluated: 2021-07-09. Review status: criteria provided, single submitter. Criteria: Ambry Variant Classification Scheme 2023. Collection method: clinical testing. Allele origin: germline.